The following is an entry in ClinVar:

NM_002470.4(MYH3):c.1802C>G (p.Pro601Arg)

Gene: MYH3 (myosin heavy chain 3; minus strand). Cytogenetic location: 17p13.1.
Variant type: single nucleotide variant.
Coding change: c.1802C>G on transcript NM_002470.4 (MANE Select); coding-DNA position 1802, C replaced by G.
Protein change: p.Pro601Arg; replaces proline 601 with arginine.
Molecular consequence: missense variant.
Genome position (GRCh38, 1-based): chr17:10,642,503, G>C on the plus strand (C>G on the coding strand, the complement: MYH3 is on the minus strand). VCF-style: chr17-10642503-G-C. GRCh37 (hg19) VCF-style: chr17-10545820-G-C.
Other names: short protein forms P601R.
Identifiers: ClinVar variation 4056487 (VCV004056487.1).

ClinVar aggregate classification (germline): Likely pathogenic (1 of 4 stars; one submission).

Conditions:
Arthrogryposis, distal, type 2B3. Also called: Arthrogryposis, distal, type 2B3 (Sheldon-Hall). Identifiers: MedGen C5193098, MONDO:0032751, OMIM 618436.

Submission:

Kasturba Medical College, Manipal, Kasturba Medical College, Manipal, Manipal Academy of Higher Education, Manipal, India
Classification: Likely pathogenic for Arthrogryposis, distal, type 2B3. Review status: criteria provided, single submitter. Criteria: ACMG Guidelines, 2015. Collection method: research. Allele origin: de novo. Inheritance: Autosomal dominant inheritance. Affected: yes. Observed: 1 heterozygote.
Comment: The variant c.1802C>G is absent in gnomAD (v4.1.0) population database and in our in-house data of 3596 exomes. In silico analysis tools (REVEL and CADD) predict the variant to be disease-causing and likely to affect the MYH3 protein function.